The following is an entry in ClinVar:

ClinVar aggregate classification (germline): Uncertain significance. Review status: criteria provided, multiple submitters, no conflicts (2 of 4 stars). 3 submissions from 3 submitters: Uncertain significance (2). 1 of the submissions does not count toward it. Last evaluated 2026-04-08.

Conditions:
Autosomal recessive nonsyndromic hearing loss 2. Also called: DEAFNESS, AUTOSOMAL RECESSIVE 2; NEUROSENSORY NONSYNDROMIC RECESSIVE DEAFNESS 2. Identifiers: Orphanet 90636, MedGen C1838701, MONDO:0010807, OMIM 600060.
Usher syndrome type 1 (USH1). Also called: RETINITIS PIGMENTOSA AND CONGENITAL DEAFNESS. Identifiers: Orphanet 231169, Orphanet 886, MedGen C1568247, MONDO:0010168, OMIM 276900.

gnomAD v4.1: 4 of 1,613,918 alleles (0.00025%); highest among the groups gnomAD compares: Non-Finnish European, 0.00034%; no homozygotes.

Submissions (3):

Women's Health and Genetics/Laboratory Corporation of America, LabCorp
Classification: Uncertain significance. Last evaluated: 2026-04-08. Review status: criteria provided, single submitter. Criteria: LabCorp Variant Classification Summary - May 2015. Collection method: clinical testing. Allele origin: germline.
Comment: Variant summary: MYO7A c.392C>T (p.Pro131Leu) results in a non-conservative amino acid change in the encoded protein sequence. Algorithms developed to predict the effect of missense changes on protein structure and function all suggest that this variant is likely to be disruptive. The variant was absent in 247564 control chromosomes. The available data on variant occurrences in the general population are insufficient to allow any conclusion about variant significance. c.392C>T has been observed in individual(s) affected with autosomal recessive non-syndromic hearing loss without specified genotype (e.g. Sommen_2016). These report(s) do not provide unequivocal conclusions about association of the variant with Usher Syndrome. To our knowledge, no experimental evidence demonstrating an impact on protein function has been reported. The following publication has been ascertained in the context of this evaluation (PMID: 27068579). ClinVar contains an entry for this variant (Variation ID: 557571). Based on the evidence outlined above, the variant was classified as uncertain significance.

Labcorp Genetics (formerly Invitae), Labcorp
Classification: Uncertain significance. Last evaluated: 2024-11-08. Review status: criteria provided, single submitter. Criteria: Invitae Variant Classification Sherloc (09022015). Collection method: clinical testing. Allele origin: germline.
Comment: This sequence change replaces proline, which is neutral and non-polar, with leucine, which is neutral and non-polar, at codon 131 of the MYO7A protein (p.Pro131Leu). This variant is not present in population databases (gnomAD no frequency). This missense change has been observed in individual(s) with deafness (PMID: 27068579). ClinVar contains an entry for this variant (Variation ID: 557571). Invitae Evidence Modeling of protein sequence and biophysical properties (such as structural, functional, and spatial information, amino acid conservation, physicochemical variation, residue mobility, and thermodynamic stability) has been performed for this missense variant. However, the output from this modeling did not meet the statistical confidence thresholds required to predict the impact of this variant on MYO7A protein function. In summary, the available evidence is currently insufficient to determine the role of this variant in disease. Therefore, it has been classified as a Variant of Uncertain Significance.

Counsyl
Classification: Uncertain significance for Usher syndrome type 1; Autosomal recessive nonsyndromic hearing loss 2. Last evaluated: 2018-04-02. Review status: no assertion criteria provided. Collection method: clinical testing. Allele origin: unknown. Not counted in ClinVar's aggregate classification.

Literature cited by the submitters: PubMed 27068579 (cited by 3 submitters).

NM_000260.4(MYO7A):c.392C>T (p.Pro131Leu)

Gene: MYO7A (myosin VIIA; plus strand). Cytogenetic location: 11q13.5.
Variant type: single nucleotide variant.
Coding change: c.392C>T on transcript NM_000260.4 (MANE Select); coding-DNA position 392, C replaced by T.
Protein change: p.Pro131Leu; replaces proline 131 with leucine.
Molecular consequence: missense variant.
Genome position (GRCh38, 1-based): chr11:77,156,013, C>T. VCF-style: chr11-77156013-C-T. GRCh37 (hg19) VCF-style: chr11-76867059-C-T.
Other names: c.392C>T, p.Pro131Leu (NM_001127180.2); c.359C>T, p.Pro120Leu (NM_001369365.1); short protein forms P131L, P120L.
Identifiers: ClinVar variation 557571 (VCV000557571.5), dbSNP rs1555061692, ClinGen allele CA381931470.
Genomic context (GRCh38, chr11:77,156,013, plus strand): 5'-TCTCCATCTACTCGCCAGAGCACATCCGCCAGTATACCAACAAGAAGATTGGGGAGATGC[C>T]CCCCCACATCTTTGCCATTGCTGACAACTGCTACTTCAACATGAAACGCAACAGCCGAGA-3'
Protein context (NP_000251.3, residues 121-141): QYTNKKIGEM[Pro131Leu]PHIFAIADNC